The following is an entry in ClinVar:

NM_001077415.3(CRELD1):c.846G>T (p.Met282Ile)

Gene: CRELD1 (CRELD disulfide isomerase 1; plus strand). Cytogenetic location: 3p25.3.
Variant type: single nucleotide variant.
Coding change: c.846G>T on transcript NM_001077415.3 (MANE Select); coding-DNA position 846, G replaced by T.
Protein change: p.Met282Ile; replaces methionine 282 with isoleucine.
Molecular consequence: missense variant. On other transcripts: non-coding transcript variant (3).
Genome position (GRCh38, 1-based): chr3:9,943,105, G>T. VCF-style: chr3-9943105-G-T. GRCh37 (hg19) VCF-style: chr3-9984789-G-T.
Other names: c.846G>T, p.Met282Ile (NM_001031717.4, NM_001374316.1, NM_001374317.1 and 2 more transcripts); c.762G>T, p.Met254Ile (NM_001374319.1, NM_001374320.1); short protein forms M282I, M254I.
Identifiers: ClinVar variation 643428 (VCV000643428.5), dbSNP rs1230049119, ClinGen allele CA351723359.
Genomic context (GRCh38, chr3:9,943,105, plus strand): 5'-ATCTCACCCTCATCTTTCTCTCCTCTCTCCAGACTGTGCCAAGGCCTGCCTAGGCTGCAT[G>T]GGGGCAGGGCCAGGTCGCTGTAAGAAGTGTAGCCCTGGCTATCAGCAGGTGGGCTCCAAG-3'
Protein context (NP_001070883.2, residues 272-292): RDCAKACLGC[Met282Ile]GAGPGRCKKC

ClinVar aggregate classification (germline): Uncertain significance (1 of 4 stars; one submission).

Conditions:
Atrioventricular septal defect, susceptibility to, 2. Identifiers: MedGen C1853508, MONDO:0011650, OMIM 606217.

Allele frequency attached by ClinVar (database versions not stated): gnomAD exomes below 0.00001.
gnomAD v4.1: 1 of 1,613,792 alleles (0.000062%); highest among the groups gnomAD compares: South Asian, 0.0011%; no homozygotes.

Submission:

Labcorp Genetics (formerly Invitae), Labcorp
Classification: Uncertain significance for Atrioventricular septal defect, susceptibility to, 2. Last evaluated: 2018-10-14. Review status: criteria provided, single submitter. Criteria: Invitae Variant Classification Sherloc (09022015). Collection method: clinical testing. Allele origin: germline.
Comment: In summary, the available evidence is currently insufficient to determine the role of this variant in disease. Therefore, it has been classified as a Variant of Uncertain Significance. Algorithms developed to predict the effect of missense changes on protein structure and function are either unavailable or do not agree on the potential impact of this missense change (SIFT: "Deleterious"; PolyPhen-2: "Possibly Damaging"; Align-GVGD: "Class C0"). This variant has not been reported in the literature in individuals with CRELD1-related disease. This variant is not present in population databases (ExAC no frequency). This sequence change replaces methionine with isoleucine at codon 282 of the CRELD1 protein (p.Met282Ile). The methionine residue is highly conserved and there is a small physicochemical difference between methionine and isoleucine.